The following is an entry in ClinVar:

ClinVar aggregate classification (germline): Uncertain significance (1 of 4 stars; one submission).

Conditions:
Familial cancer of breast. Also called: hereditary breast carcinoma; BREAST CANCER, FAMILIAL; Hereditary breast cancer. Identifiers: Orphanet 227535, MedGen C0346153, MONDO:0016419, OMIM 114480. Disease mechanism: loss of function.

Submission:

Labcorp Genetics (formerly Invitae), Labcorp
Classification: Uncertain significance for Familial cancer of breast. Last evaluated: 2025-03-30. Review status: criteria provided, single submitter. Criteria: Invitae Variant Classification Sherloc (09022015). Collection method: clinical testing. Allele origin: germline.
Comment: This sequence change replaces serine, which is neutral and polar, with tyrosine, which is neutral and polar, at codon 199 of the BARD1 protein (p.Ser199Tyr). This variant is not present in population databases (gnomAD no frequency). This variant has not been reported in the literature in individuals affected with BARD1-related conditions. An algorithm developed to predict the effect of missense changes on protein structure and function (PolyPhen-2) suggests that this variant is likely to be disruptive. In summary, the available evidence is currently insufficient to determine the role of this variant in disease. Therefore, it has been classified as a Variant of Uncertain Significance.

NM_000465.4(BARD1):c.596C>A (p.Ser199Tyr)

Gene: BARD1 (BRCA1 associated RING domain 1; minus strand). Cytogenetic location: 2q35.
Variant type: single nucleotide variant.
Coding change: c.596C>A on transcript NM_000465.4 (MANE Select); coding-DNA position 596, C replaced by A.
Protein change: p.Ser199Tyr; replaces serine 199 with tyrosine.
Molecular consequence: missense variant. On other transcripts: non-coding transcript variant (2), intron variant (3).
Genome position (GRCh38, 1-based): chr2:214,781,278, G>T on the plus strand (C>A on the coding strand, the complement: BARD1 is on the minus strand). VCF-style: chr2-214781278-G-T. GRCh37 (hg19) VCF-style: chr2-215646002-G-T.
Other names: c.539C>A, p.Ser180Tyr (NM_001282543.2); c.158+28134C>A (NM_001282548.2); c.215+15783C>A (NM_001282545.2); c.364+11019C>A (NM_001282549.2); short protein forms S180Y, S199Y.
Identifiers: ClinVar variation 4716291 (VCV004716291.1).